The following is an entry in ClinVar:

NM_006393.3(NEBL):c.2149-2A>C

Gene: NEBL (nebulette; minus strand). Cytogenetic location: 10p12.31.
Variant type: single nucleotide variant.
Coding change: c.2149-2A>C on transcript NM_006393.3 (MANE Select); the canonical splice acceptor site of the intron before coding-DNA position 2149, A replaced by C.
Molecular consequence: splice acceptor variant. On other transcripts: intron variant (9).
Genome position (GRCh38, 1-based): chr10:20,815,719, T>G on the plus strand (A>C on the coding strand, the complement: NEBL is on the minus strand). VCF-style: chr10-20815719-T-G. GRCh37 (hg19) VCF-style: chr10-21104648-T-G.
Other names: c.250-2779A>C (NM_001377326.1, NM_001377327.1, NM_001377328.1); c.358-2779A>C (NM_213569.2, NM_001173484.2, NM_001377322.1); c.301-2779A>C (NM_001377324.1); c.292-2779A>C (NM_001377325.1); c.310-2779A>C (NM_001377323.1).
Identifiers: ClinVar variation 1480636 (VCV001480636.8), dbSNP rs367588562, ClinGen allele CA204168731.

ClinVar aggregate classification (germline): Uncertain significance (1 of 4 stars; one submission).

Conditions:
Primary dilated cardiomyopathy (DCM). Also called: Dilated Cardiomyopathy. Identifiers: Orphanet 217604, MedGen C0007193, MeSH D002311, MONDO:0005021, HP:0001644. Inheritance: Various modes of inheritance.

Allele frequency attached by ClinVar (database versions not stated): gnomAD exomes below 0.00001; TOPMed 0.00001; ESP Exome Variant Server 0.00008.
gnomAD v4.1: 4 of 1,574,770 alleles (0.00025%); highest among the groups gnomAD compares: Non-Finnish European, 0.00035%; no homozygotes.

Submission:

Labcorp Genetics (formerly Invitae), Labcorp
Classification: Uncertain significance for Primary dilated cardiomyopathy. Last evaluated: 2021-01-20. Review status: criteria provided, single submitter. Criteria: Invitae Variant Classification Sherloc (09022015). Collection method: clinical testing. Allele origin: germline.
Comment: In summary, the available evidence is currently insufficient to determine the role of this variant in disease. Therefore, it has been classified as a Variant of Uncertain Significance. Algorithms developed to predict the effect of sequence changes on RNA splicing suggest that this variant may disrupt the consensus splice site, but this prediction has not been confirmed by published transcriptional studies. This variant has not been reported in the literature in individuals with NEBL-related conditions. This variant is not present in population databases (ExAC no frequency). This sequence change affects an acceptor splice site in intron 21 of the NEBL gene. It is expected to disrupt RNA splicing. Variants that disrupt the donor or acceptor splice site typically lead to a loss of protein function (PMID: 16199547), however the current clinical and genetic evidence is not sufficient to establish whether loss-of-function variants in NEBL cause disease.

Literature cited by the submitters: PubMed 16199547.